The following is an entry in ClinVar:

NM_052989.3(IFT122):c.2433C>T (p.Cys811=)

Gene: IFT122 (intraflagellar transport 122; plus strand). Cytogenetic location: 3q22.1.
Variant type: single nucleotide variant.
Coding change: c.2433C>T on transcript NM_052989.3 (MANE Select); coding-DNA position 2433, C replaced by T.
Protein change: p.Cys811=; no amino-acid change (cysteine 811 retained).
Molecular consequence: synonymous variant.
Genome position (GRCh38, 1-based): chr3:129,502,768, C>T. VCF-style: chr3-129502768-C-T. GRCh37 (hg19) VCF-style: chr3-129221611-C-T.
Other names: c.2409C>T, p.Cys803= (NM_001280541.2); c.1983C>T, p.Cys661= (NM_001280545.2); c.1806C>T, p.Cys602= (NM_001280546.2); c.2256C>T, p.Cys752= (NM_018262.4); c.2586C>T, p.Cys862= (NM_052985.4); c.2100C>T, p.Cys700= (NM_052990.3).
Identifiers: ClinVar variation 343254 (VCV000343254.18), dbSNP rs141626835, ClinGen allele CA2606519.

ClinVar aggregate classification (germline): Conflicting classifications of pathogenicity. Review status: criteria provided, conflicting classifications (1 of 4 stars). 4 submissions from 4 submitters: Uncertain significance (1); Benign (1); Likely benign (2). Last evaluated 2025-12-21.

Conditions:
Connective tissue disorder. Also called: Connective tissue disease. Identifiers: MedGen C0009782, MONDO:0003900.
Cranioectodermal dysplasia 1 (CED1). Also called: LEVIN SYNDROME I. Identifiers: Orphanet 1515, MedGen C0432235, MONDO:0021093, OMIM 218330.

Allele frequency attached by ClinVar (database versions not stated): ExAC 0.00041; gnomAD exomes 0.00041; gnomAD 0.00098 and 0.00103; ESP Exome Variant Server 0.00108; 1000 Genomes Project 30x 0.00109; 1000 Genomes Project 0.00120; TOPMed 0.00137.
gnomAD v4.1: 433 of 1,612,434 alleles (0.027%); highest among the groups gnomAD compares: African/African-American, 0.35%; 3 homozygotes.

Submissions (4):

Labcorp Genetics (formerly Invitae), Labcorp
Classification: Benign for Cranioectodermal dysplasia 1. Last evaluated: 2025-12-21. Review status: criteria provided, single submitter. Criteria: Invitae Variant Classification Sherloc (09022015). Collection method: clinical testing. Allele origin: germline.

Blueprint Genetics
Classification: Likely benign. Last evaluated: 2024-10-21. Review status: criteria provided, single submitter. Criteria: ACMG Guidelines, 2015. Collection method: clinical testing. Allele origin: germline.

Genome Diagnostics Laboratory, The Hospital for Sick Children
Classification: Uncertain significance for Connective tissue disorder. Last evaluated: 2021-09-13. Review status: criteria provided, single submitter. Criteria: ACMG Guidelines, 2015. Collection method: clinical testing. Allele origin: germline.

Illumina Laboratory Services, Illumina
Classification: Likely benign for Cranioectodermal dysplasia 1. Last evaluated: 2018-01-12. Review status: criteria provided, single submitter. Criteria: ICSL Variant Classification Criteria 13 December 2019. Collection method: clinical testing. Allele origin: germline.
Comment: This variant was observed in the ICSL laboratory as part of a predisposition screen in an ostensibly healthy population. It had not been previously curated by ICSL or reported in the Human Gene Mutation Database (HGMD: prior to June 1st, 2018), and was therefore a candidate for classification through an automated scoring system. Utilizing variant allele frequency, disease prevalence and penetrance estimates, and inheritance mode, an automated score was calculated to assess if this variant is too frequent to cause the disease. Based on the score and internal cut-off values, a variant classified as likely benign is not then subjected to further curation. The score for this variant resulted in a classification of likely benign for this disease.